The following is an entry in ClinVar:

ClinVar aggregate classification (germline): Uncertain significance (1 of 4 stars; one submission).

Allele frequency attached by ClinVar (database versions not stated): TOPMed below 0.00001.
gnomAD v4.1: 10 of 1,611,804 alleles (0.00062%); highest among the groups gnomAD compares: Non-Finnish European, 0.00085%; no homozygotes.

Submission:

Labcorp Genetics (formerly Invitae), Labcorp
Classification: Uncertain significance. Last evaluated: 2024-03-03. Review status: criteria provided, single submitter. Criteria: Invitae Variant Classification Sherloc (09022015). Collection method: clinical testing. Allele origin: germline.
Comment: This sequence change replaces threonine, which is neutral and polar, with methionine, which is neutral and non-polar, at codon 277 of the CLCN6 protein (p.Thr277Met). This variant is present in population databases (no rsID available, gnomAD 0.007%). This variant has not been reported in the literature in individuals affected with CLCN6-related conditions. An algorithm developed to predict the effect of missense changes on protein structure and function (PolyPhen-2) suggests that this variant is likely to be disruptive. In summary, the available evidence is currently insufficient to determine the role of this variant in disease. Therefore, it has been classified as a Variant of Uncertain Significance.

NM_001286.5(CLCN6):c.830C>T (p.Thr277Met)

Gene: CLCN6 (chloride voltage-gated channel 6; plus strand). Cytogenetic location: 1p36.22.
Variant type: single nucleotide variant.
Coding change: c.830C>T on transcript NM_001286.5 (MANE Select); coding-DNA position 830, C replaced by T.
Protein change: p.Thr277Met; replaces threonine 277 with methionine.
Molecular consequence: missense variant. On other transcripts: non-coding transcript variant (1).
Genome position (GRCh38, 1-based): chr1:11,827,211, C>T. VCF-style: chr1-11827211-C-T. GRCh37 (hg19) VCF-style: chr1-11887268-C-T.
Other names: c.764C>T, p.Thr255Met (NM_001256959.2); short protein forms T255M, T277M.
Identifiers: ClinVar variation 2974921 (VCV002974921.3), dbSNP rs778956530, ClinGen allele CA17996813.